The following is an entry in ClinVar:

ClinVar aggregate classification (germline): Pathogenic (1 of 4 stars; one submission).

Conditions:
Fanconi anemia complementation group J. Also called: BRIP1-Related Fanconi Anemia. Identifiers: Orphanet 84, MedGen C1836860, MONDO:0012187, OMIM 609054.
Familial cancer of breast. Also called: BREAST CANCER, FAMILIAL; hereditary breast carcinoma; Hereditary breast cancer. Identifiers: Orphanet 227535, MedGen C0346153, MONDO:0016419, OMIM 114480. Disease mechanism: loss of function.

Submission:

Labcorp Genetics (formerly Invitae), Labcorp
Classification: Pathogenic for Familial cancer of breast; Fanconi anemia complementation group J. Last evaluated: 2020-01-02. Review status: criteria provided, single submitter. Criteria: Invitae Variant Classification Sherloc (09022015). Collection method: clinical testing. Allele origin: germline.
Comment: Loss-of-function variants in BRIP1 are known to be pathogenic (PMID: 16116423, 17033622, 21964575). For these reasons, this variant has been classified as Pathogenic. This variant has not been reported in the literature in individuals with BRIP1-related conditions. This variant is a gross deletion of the genomic region encompassing exons 2-18 of the BRIP1 gene, which includes the initiator codon. The 5' end of this event is unknown as it extends beyond the assayed region for this gene and therefore may encompass additional genes. The 3' boundary is likely confined to intron 18 of the BRIP1 gene. This is expected to result in an absent or disrupted protein product.

Literature cited by the submitters: PubMed 16116423; PubMed 17033622; PubMed 21964575.

NC_000017.10:g.(?_59770781)_(59938900_?)del

Gene: BRIP1 (BRCA1 interacting DNA helicase 1; minus strand). Cytogenetic location: 17q23.2.
Variant type: Deletion.
Identifiers: ClinVar variation 1074435 (VCV001074435.4).